The following is an entry in ClinVar:

ClinVar aggregate classification (germline): Pathogenic/Likely pathogenic. Review status: criteria provided, multiple submitters, no conflicts (2 of 4 stars). 2 submissions from 2 submitters: Pathogenic (1); Likely pathogenic (1). Last evaluated 2024-06-28.

Conditions:
Houge-Janssens syndrome 2. Also called: Microcephaly-corpus callosum hypoplasia-intellectual disability-facial dysmorphism syndrome; INTELLECTUAL DEVELOPMENTAL DISORDER, AUTOSOMAL DOMINANT 36; PPP2R1A-Related Neurodevelopmental Disorder. Identifiers: Orphanet 457284, MedGen C4225352, MONDO:0014605, OMIM 616362.

Submissions (2):

Labcorp Genetics (formerly Invitae), Labcorp
Classification: Pathogenic. Last evaluated: 2024-06-28. Review status: criteria provided, single submitter. Criteria: Invitae Variant Classification Sherloc (09022015). Collection method: clinical testing. Allele origin: germline.
Comment: This sequence change replaces proline, which is neutral and non-polar, with histidine, which is basic and polar, at codon 179 of the PPP2R1A protein (p.Pro179His). This variant is not present in population databases (gnomAD no frequency). This missense change has been observed in individual(s) with clinical features os PPP2R1A-related conditions (PMID: 36209351). In at least one individual the variant was observed to be de novo. ClinVar contains an entry for this variant (Variation ID: 1699184). Advanced modeling of protein sequence and biophysical properties (such as structural, functional, and spatial information, amino acid conservation, physicochemical variation, residue mobility, and thermodynamic stability) performed at Invitae indicates that this missense variant is expected to disrupt PPP2R1A protein function with a positive predictive value of 80%. This variant disrupts the p.Pro179 amino acid residue in PPP2R1A. Other variant(s) that disrupt this residue have been determined to be pathogenic (PMID: 26168268, 33106617). This suggests that this residue is clinically significant, and that variants that disrupt this residue are likely to be disease-causing. For these reasons, this variant has been classified as Pathogenic.

Victorian Clinical Genetics Services, Murdoch Childrens Research Institute
Classification: Likely pathogenic for Houge-Janssens syndrome 2. Last evaluated: 2022-02-02. Review status: criteria provided, single submitter. Criteria: ACMG Guidelines, 2015. Collection method: clinical testing. Allele origin: germline. Inheritance: Autosomal dominant inheritance. Affected: yes.
Comment: Based on the classification scheme VCGS_Germline_v1.3.4, this variant is classified as Likely pathogenic. Following criteria are met: 0104 - Dominant negative is a likely mechanism of disease in this gene and is associated with PPP2R1A-related neurodevelopmental disorder (MIM#616362) (OMIM). (I) 0107 - This gene is associated with autosomal dominant disease. (I) 0200 - Variant is predicted to result in a missense amino acid change from proline to histidine. (I) 0251 - This variant is heterozygous. (I) 0301 - Variant is absent from gnomAD (both v2 and v3). (SP) 0502 - Missense variant with conflicting in silico predictions and uninformative conservation. (I) 0603 - Missense variant in a region that is highly intolerant to missense variation (high constraint region in DECIPHER). (SP) 0704 - Another missense variant comparable to the one identified in this case has limited previous evidence for pathogenicity. The p.(Pro179Leu) variant has been reported de novo in individuals with intellectual disability and neurodevelopmental delay (PMIDs: 26168268, 33106617; Decipher). This variant has also been classified as pathogenic by clinical diagnostic laboratories (ClinVar). (SP) 0807 - This variant has no previous evidence of pathogenicity. (I) 0905 - No published segregation evidence has been identified for this variant. (I) 1007 - No published functional evidence has been identified for this variant. (I) 1102 - Strong phenotype match for this individual. (SP) 1208 - Inheritance information for this variant is not currently available in this individual. (I) Legend: (SP) - Supporting pathogenic, (I) - Information, (SB) - Supporting benign

Literature cited by the submitters: PubMed 36209351 (cited by Labcorp Genetics (formerly Invitae), Labcorp); PubMed 26168268 (cited by Labcorp Genetics (formerly Invitae), Labcorp and Victorian Clinical Genetics Services, Murdoch Childrens Research Institute); PubMed 33106617 (cited by Labcorp Genetics (formerly Invitae), Labcorp and Victorian Clinical Genetics Services, Murdoch Childrens Research Institute).

NM_014225.6(PPP2R1A):c.536C>A (p.Pro179His)

Gene: PPP2R1A (protein phosphatase 2 scaffold subunit Aalpha; plus strand). Cytogenetic location: 19q13.41.
Variant type: single nucleotide variant.
Coding change: c.536C>A on transcript NM_014225.6 (MANE Select); coding-DNA position 536, C replaced by A.
Protein change: p.Pro179His; replaces proline 179 with histidine.
Molecular consequence: missense variant. On other transcripts: non-coding transcript variant (1), 5 prime UTR variant (1).
Genome position (GRCh38, 1-based): chr19:52,212,718, C>A. VCF-style: chr19-52212718-C-A. GRCh37 (hg19) VCF-style: chr19-52715971-C-A.
Other names: c.-2C>A (NM_001363656.2); short protein forms P179H.
Identifiers: ClinVar variation 1699184 (VCV001699184.5), dbSNP rs786205228, ClinGen allele CA407183511.